The following is an entry in ClinVar:

NM_032199.3(ARID5B):c.1852G>A (p.Ala618Thr)

Gene: ARID5B (AT-rich interaction domain 5B; plus strand). Cytogenetic location: 10q21.2.
Variant type: single nucleotide variant.
Coding change: c.1852G>A on transcript NM_032199.3 (MANE Select); coding-DNA position 1852, G replaced by A.
Protein change: p.Ala618Thr; replaces alanine 618 with threonine.
Molecular consequence: missense variant.
Genome position (GRCh38, 1-based): chr10:62,091,315, G>A. VCF-style: chr10-62091315-G-A. GRCh37 (hg19) VCF-style: chr10-63851074-G-A.
Other names: c.1123G>A, p.Ala375Thr (NM_001244638.2); short protein forms A375T, A618T.
Identifiers: ClinVar variation 3040724 (VCV003040724.2), dbSNP rs143074852, ClinGen allele CA5515404.

ClinVar aggregate classification (germline): Benign (0 of 4 stars; one submission).

Conditions:
ARID5B-related disorder. Also called: ARID5B-related condition.

Allele frequency attached by ClinVar (database versions not stated): ExAC 0.00119; gnomAD 0.00318; TOPMed 0.00383; ESP Exome Variant Server 0.00446; 1000 Genomes Project 0.00459; 1000 Genomes Project 30x 0.00515.
gnomAD v4.1: 1,026 of 1,614,112 alleles (0.064%); highest among the groups gnomAD compares: African/African-American, 1.1%; 7 homozygotes.

Submission:

PreventionGenetics, part of Exact Sciences
Classification: Benign for ARID5B-related condition. Last evaluated: 2019-09-17. Review status: no assertion criteria provided. Collection method: clinical testing. Allele origin: germline.
Comment: This variant is classified as benign based on ACMG/AMP sequence variant interpretation guidelines (Richards et al. 2015 PMID: 25741868, with internal and published modifications).